The following is an entry in ClinVar:

NM_000340.2(SLC2A2):c.125A>G (p.Tyr42Cys)

Gene: SLC2A2 (solute carrier family 2 member 2; minus strand). Cytogenetic location: 3q26.2.
Variant type: single nucleotide variant.
Coding change: c.125A>G on transcript NM_000340.2 (MANE Select); coding-DNA position 125, A replaced by G.
Protein change: p.Tyr42Cys; replaces tyrosine 42 with cysteine.
Molecular consequence: missense variant. On other transcripts: 5 prime UTR variant (1), intron variant (1).
Genome position (GRCh38, 1-based): chr3:171,014,715, T>C on the plus strand (A>G on the coding strand, the complement: SLC2A2 is on the minus strand). VCF-style: chr3-171014715-T-C. GRCh37 (hg19) VCF-style: chr3-170732504-T-C.
Other names: c.-270A>G (NM_001278659.2); c.14+3816A>G (NM_001278658.2); short protein forms Y42C.
Identifiers: ClinVar variation 5019323 (VCV005019323.2).

ClinVar aggregate classification (germline): Uncertain significance (1 of 4 stars; one submission).

Conditions:
Fanconi-Bickel syndrome (FBS). Also called: HEPATIC GLYCOGENOSIS WITH AMINO ACIDURIA AND GLUCOSURIA; HEPATIC GLYCOGENOSIS WITH FANCONI NEPHROPATHY; HEPATORENAL GLYCOGENOSIS WITH RENAL FANCONI SYNDROME; Glycogen storage disease due to GLUT2 deficiency; PSEUDO-PHLORIZIN DIABETES; FANCONI SYNDROME WITH INTESTINAL MALABSORPTION AND GALACTOSE INTOLERANCE. Identifiers: Orphanet 2088, MedGen C3495427, MONDO:0009216, OMIM 227810.
Type 2 diabetes mellitus. Also called: Type II diabetes mellitus. Identifiers: MedGen C0011860, MeSH D003924, MONDO:0005148, OMIM 125853, HP:0005978.

Submission:

Juno Genomics, Hangzhou Juno Genomics, Inc
Classification: Uncertain significance for Type 2 diabetes mellitus; Fanconi-Bickel syndrome. Review status: criteria provided, single submitter. Criteria: ACMG Guidelines, 2015. Collection method: clinical testing. Allele origin: germline.
Comment: Absent from controls (or at extremely low frequency if recessive) in Genome Aggregation Database.;De novo (both maternity and paternity confirmed) in a patient with the disease and no family history.